The following is an entry in ClinVar:

ClinVar aggregate classification (germline): Pathogenic. Review status: criteria provided, multiple submitters, no conflicts (2 of 4 stars). 2 submissions from 2 submitters: Pathogenic (2). Last evaluated 2024-05-14.

Conditions:
Abetalipoproteinaemia (ABL). Also called: Abetalipoproteinemia; Abetalipoproteinemia neuropathy; Apolipoprotein B deficiency; Congenital betalipoprotein deficiency syndrome; MTP DEFICIENCY. Identifiers: Orphanet 14, MedGen C0000744, MONDO:0008692, OMIM 200100, HP:0008181.

Submissions (2):

Myriad Genetics, Inc.
Classification: Pathogenic for Abetalipoproteinaemia. Last evaluated: 2024-05-14. Review status: criteria provided, single submitter. Criteria: Myriad Autosomal Dominant, Autosomal Recessive and X-Linked Classification Criteria (2023). Collection method: clinical testing. Allele origin: unknown.
Comment: NM_000253.2(MTTP):c.1401dupA(E468Rfs*45) is expected to be pathogenic in the context of abetalipoproteinemia. This variant is predicted to lead to an abnormal or absent protein product due to the creation of a premature termination codon in MTTP, a gene where loss-of-function variants are known to be pathogenic. Please note: this variant was assessed in the context of healthy population screening.

Labcorp Genetics (formerly Invitae), Labcorp
Classification: Pathogenic. Last evaluated: 2021-02-10. Review status: criteria provided, single submitter. Criteria: Invitae Variant Classification Sherloc (09022015). Collection method: clinical testing. Allele origin: germline.
Comment: This variant is not present in population databases (ExAC no frequency). This sequence change creates a premature translational stop signal (p.Glu468Argfs*45) in the MTTP gene. It is expected to result in an absent or disrupted protein product. Loss-of-function variants in MTTP are known to be pathogenic (PMID: 8533758, 9671739). This variant has been observed in individual(s) with abetalipoproteinemia (PMID: 8533758). This variant is also known as 1401ins1. For these reasons, this variant has been classified as Pathogenic.

Literature cited by the submitters: PubMed 8533758 (cited by Labcorp Genetics (formerly Invitae), Labcorp); PubMed 9671739 (cited by Labcorp Genetics (formerly Invitae), Labcorp).

NM_001386140.1(MTTP):c.1401dup (p.Glu468fs)

Gene: MTTP (microsomal triglyceride transfer protein; plus strand). Cytogenetic location: 4q23.
Variant type: Duplication.
Coding change: c.1401dup on transcript NM_001386140.1 (MANE Select); coding-DNA position 1401, one base duplicated (A; older notation c.1401dupA).
Protein change: p.Glu468fs; shifts the reading frame from glutamic acid 468.
Molecular consequence: frameshift variant.
Genome position (GRCh38, 1-based): chr4:99,606,804, A duplicated; the last of 6 consecutive A bases (chr4:99,606,799-99,606,804); duplicating any one gives the same sequence. VCF-style (leftmost placement, unchanged base first): chr4-99606798-G-GA. GRCh37 (hg19) VCF-style: chr4-100527955-G-GA.
Other names: c.1401dup, p.Glu468fs (NM_000253.4); c.1152dup, p.Glu385fs (NM_001300785.2); short protein forms E468fs, E385fs.
Identifiers: ClinVar variation 1458029 (VCV001458029.9), dbSNP rs1725827762, ClinGen allele CA1480081581.